The following is an entry in ClinVar:

ClinVar aggregate classification (germline): Uncertain significance (1 of 4 stars; one submission).

Conditions:
Supravalvar aortic stenosis (SVAS). Also called: Supravalvar aortic stenosis, Eisenberg type. Identifiers: Orphanet 3193, MedGen C0003499, MONDO:0008504, OMIM 185500, HP:0004381.

Submission:

Labcorp Genetics (formerly Invitae), Labcorp
Classification: Uncertain significance for Supravalvar aortic stenosis. Last evaluated: 2023-08-25. Review status: criteria provided, single submitter. Criteria: Invitae Variant Classification Sherloc (09022015). Collection method: clinical testing. Allele origin: germline.
Comment: A copy number gain of the genomic region encompassing the full coding sequence of the ELN gene has been identified. The boundaries of this event are unknown as they extend beyond the assayed region for this gene and therefore may encompass additional genes. As the precise location of this event is unknown, it may be in tandem or it may be located elsewhere in the genome. This variant has not been reported in the literature in individuals affected with ELN-related conditions. In summary, the available evidence is currently insufficient to determine the role of this variant in disease. Therefore, it has been classified as a Variant of Uncertain Significance.

NC_000007.13:g.(?_73442518)_(73483030_?)dup

Gene: ELN (elastin; plus strand). Cytogenetic location: 7q11.23.
Variant type: Duplication.
Identifiers: ClinVar variation 1373855 (VCV001373855.5).